The following is an entry in ClinVar:

ClinVar aggregate classification (germline): Uncertain significance (1 of 4 stars; one submission).

Conditions:
Inborn genetic diseases. Identifiers: MedGen C0950123, MeSH D030342.

Submission:

Ambry Genetics
Classification: Uncertain significance for Inborn genetic diseases. Last evaluated: 2026-05-17. Review status: criteria provided, single submitter. Criteria: Ambry Variant Classification Scheme 2023. Collection method: clinical testing. Allele origin: germline.
Comment: The p.P197R variant (also known as c.590C>G), located in coding exon 1 of the CEBPA gene, results from a C to G substitution at nucleotide position 590. The proline at codon 197 is replaced by arginine, an amino acid with dissimilar properties. This amino acid position is conserved. In addition, this alteration is predicted to be tolerated by in silico analysis. Based on the available evidence, the clinical significance of this variant remains unclear.

NM_004364.5(CEBPA):c.590C>G (p.Pro197Arg)

Gene: CEBPA (CCAAT enhancer binding protein alpha; minus strand). Cytogenetic location: 19q13.11.
Variant type: single nucleotide variant.
Coding change: c.590C>G on transcript NM_004364.5 (MANE Select); coding-DNA position 590, C replaced by G.
Protein change: p.Pro197Arg; replaces proline 197 with arginine.
Molecular consequence: missense variant.
Genome position (GRCh38, 1-based): chr19:33,301,825, G>C on the plus strand (C>G on the coding strand, the complement: CEBPA is on the minus strand). VCF-style: chr19-33301825-G-C. GRCh37 (hg19) VCF-style: chr19-33792731-G-C.
Other names: c.233C>G, p.Pro78Arg (NM_001285829.2); c.695C>G, p.Pro232Arg (NM_001287424.2); c.548C>G, p.Pro183Arg (NM_001287435.2); short protein forms P183R, P197R, P232R, P78R.
Identifiers: ClinVar variation 4868690 (VCV004868690.1).